The following is an entry in ClinVar:

NM_001104631.2(PDE4D):c.2144G>T (p.Ser715Ile)

Gene: PDE4D (phosphodiesterase 4D; minus strand). Cytogenetic location: 5q11.2.
Variant type: single nucleotide variant.
Coding change: c.2144G>T on transcript NM_001104631.2 (MANE Select); coding-DNA position 2144, G replaced by T.
Protein change: p.Ser715Ile; replaces serine 715 with isoleucine.
Molecular consequence: missense variant.
Genome position (GRCh38, 1-based): chr5:58,974,950, C>A on the plus strand (G>T on the coding strand, the complement: PDE4D is on the minus strand). VCF-style: chr5-58974950-C-A. GRCh37 (hg19) VCF-style: chr5-58270777-C-A.
Other names: c.1271G>T, p.Ser424Ile (NM_001197223.2); c.1931G>T, p.Ser644Ile (NM_001349241.2); c.1814G>T, p.Ser605Ile (NM_001349242.2); c.1376G>T, p.Ser459Ile (NM_001349243.2, NM_001364604.1); c.1961G>T, p.Ser654Ile (NM_001364599.1, NM_001165899.2); c.1238G>T, p.Ser413Ile (NM_001364603.1, NM_001197221.2); c.1736G>T, p.Ser579Ile (NM_006203.5); c.1952G>T, p.Ser651Ile (NM_001197218.2); and 3 more; short protein forms S413I, S424I, S459I, S491I, S579I, S585I, S593I, S605I.
Identifiers: ClinVar variation 4852776 (VCV004852776.1).

ClinVar aggregate classification (germline): Uncertain significance (1 of 4 stars; one submission).

Conditions:
Acrodysostosis 2 with or without hormone resistance. Also called: ACRODYSOSTOSIS 2 WITH HORMONE RESISTANCE; ACRODYSOSTOSIS 2 WITHOUT HORMONE RESISTANCE. Identifiers: Orphanet 280651, MedGen C3553250, MONDO:0013822, OMIM 614613.

Submission:

Diagnostics Services (NGS), CSIR - Centre For Cellular And Molecular Biology
Classification: Uncertain significance for Acrodysostosis 2 with or without hormone resistance. Last evaluated: 2026-05-22. Review status: criteria provided, single submitter. Criteria: ACMG Guidelines, 2015. Collection method: clinical testing. Allele origin: germline. Observed: 1 variant allele, 1 heterozygote.
Comment: The c.2144G>T variant is not present in publicly available population databases like 1000 Genomes, gnomAD, EVS, Indian Exome Database or in our internal database. This variant has neither been published in the literature for PDE4D-related conditions nor reported to clinical databases like Human Genome Mutation Database (HGMD), ClinVar or OMIM in any affected individuals. In-silico pathogenicity prediction programs like SIFT, Polyphen-2, MutationTaster2, CADD, etc predicted this variant to be likely deleterious however these predictions were not confirmed by published functional studies.